The following is an entry in ClinVar:

ClinVar aggregate classification (germline): Likely pathogenic (1 of 4 stars; one submission).

Submission:

GeneDx
Classification: Likely pathogenic. Last evaluated: 2026-08-10. Review status: criteria provided, single submitter. Criteria: GeneDx Variant Classification Process June 2021. Collection method: clinical testing. Allele origin: germline.
Comment: Not observed at significant frequency in large population cohorts (gnomAD); In silico analysis suggests that this missense variant does not alter protein structure/function; Has not been previously published as pathogenic or benign to our knowledge; This substitution is predicted to be within the cytoplasmic loop between the first and second homologous domains

NM_001165963.4(SCN1A):c.1633T>C (p.Tyr545His)

Gene: SCN1A (sodium voltage-gated channel alpha subunit 1; minus strand). Cytogenetic location: 2q24.3.
Variant type: single nucleotide variant.
Coding change: c.1633T>C on transcript NM_001165963.4 (MANE Select); coding-DNA position 1633, T replaced by C.
Protein change: p.Tyr545His; replaces tyrosine 545 with histidine.
Molecular consequence: missense variant. On other transcripts: 5 prime UTR variant (1), non-coding transcript variant (1).
Genome position (GRCh38, 1-based): chr2:166,045,072, A>G on the plus strand (T>C on the coding strand, the complement: SCN1A is on the minus strand). VCF-style: chr2-166045072-A-G. GRCh37 (hg19) VCF-style: chr2-166901582-A-G.
Other names: c.1633T>C, p.Tyr545His (NM_001165964.3, NM_001202435.3, NM_001353948.2 and 7 more transcripts); c.1630T>C, p.Tyr544His (NM_001353954.2, NM_001353955.2, NM_001353960.2); c.-793T>C (NM_001353961.2); short protein forms Y545H, Y544H.
Identifiers: ClinVar variation 421106 (VCV000421106.5), dbSNP rs1064794913, ClinGen allele CA16617309.
Genomic context (GRCh38, chr2:166,045,072, plus strand): 5'-CCATGCATCAGTAAACTCAGCAGTGCCATACCTGGTGTGGGGAGGAGTACCTCTTTTCAT[A>G]TGTCAATCGGTTCCCTTCAATGGAGAAGCGAAAACCTTTCCTCCTGATGCTGTCCTCAGA-3'
Protein context (NP_001159435.1, residues 535-555): RFSIEGNRLT[Tyr545His]EKRYSSPHQS